The following is an entry in ClinVar:

ClinVar aggregate classification (germline): Uncertain significance (1 of 4 stars; one submission).

Conditions:
Inborn genetic diseases. Identifiers: MedGen C0950123, MeSH D030342.

gnomAD v4.1: 1 of 1,609,046 alleles (0.000062%); highest among the groups gnomAD compares: African/African-American, 0.0013%; no homozygotes.

Submission:

Ambry Genetics
Classification: Uncertain significance for Inborn genetic diseases. Last evaluated: 2025-04-11. Review status: criteria provided, single submitter. Criteria: Ambry Variant Classification Scheme 2023. Collection method: clinical testing. Allele origin: germline.
Comment: The p.R209S variant (also known as c.627G>C), located in coding exon 5 of the RECQL4 gene, results from a G to C substitution at nucleotide position 627. The arginine at codon 209 is replaced by serine, an amino acid with dissimilar properties. This amino acid position is conserved. In addition, this alteration is predicted to be tolerated by in silico analysis. Based on the available evidence, the clinical significance of this variant remains unclear.

NM_004260.4(RECQL4):c.627G>C (p.Arg209Ser)

Gene: RECQL4 (RecQ like helicase 4; minus strand). Cytogenetic location: 8q24.3.
Variant type: single nucleotide variant.
Coding change: c.627G>C on transcript NM_004260.4 (MANE Select); coding-DNA position 627, G replaced by C.
Protein change: p.Arg209Ser; replaces arginine 209 with serine.
Molecular consequence: missense variant. On other transcripts: 5 prime UTR variant (15), non-coding transcript variant (3), intron variant (3).
Genome position (GRCh38, 1-based): chr8:144,516,492, C>G on the plus strand (G>C on the coding strand, the complement: RECQL4 is on the minus strand). VCF-style: chr8-144516492-C-G. GRCh37 (hg19) VCF-style: chr8-145741876-C-G.
Other names: c.627G>C, p.Arg209Ser (NM_001413017.1, NM_001413018.1, NM_001413019.1 and 4 more transcripts); c.-445G>C (NM_001413022.1, NM_001413023.1, NM_001413024.1 and 5 more transcripts); c.498G>C, p.Arg166Ser (NM_001413025.1); c.-507G>C (NM_001413027.1, NM_001413030.1, NM_001413031.1 and 2 more transcripts); c.-349G>C (NM_001413034.1); c.-714G>C (NM_001413043.1); c.355-79G>C (NM_001413029.1); c.-366-79G>C (NM_001413021.1, NM_001413028.1); short protein forms R166S, R209S.
Identifiers: ClinVar variation 3944274 (VCV003944274.1).